The following is an entry in ClinVar:

ClinVar aggregate classification (germline): Likely benign (1 of 4 stars; one submission).

Conditions:
ADGRV1-related disorder. Also called: ADGRV1-related condition; ADGRV1-related disorders.

gnomAD v4.1: 6 of 1,461,468 alleles (0.00041%); highest among the groups gnomAD compares: African/African-American, 0.0087%; no homozygotes.

Submission:

PreventionGenetics, part of Exact Sciences
Classification: Likely benign for ADGRV1-related condition. Last evaluated: 2026-09-15. Review status: criteria provided, single submitter. Criteria: ACMG Guidelines, 2015. Collection method: clinical testing. Allele origin: germline.
Comment: This variant is classified as likely benign based on ACMG/AMP sequence variant interpretation guidelines (Richards et al. 2015 PMID: 25741868, with internal and published modifications).

NM_032119.4(ADGRV1):c.10038A>G (p.Gly3346=)

Gene: ADGRV1 (adhesion G protein-coupled receptor V1; plus strand). Cytogenetic location: 5q14.3.
Variant type: single nucleotide variant.
Coding change: c.10038A>G on transcript NM_032119.4 (MANE Select); coding-DNA position 10038, A replaced by G.
Protein change: p.Gly3346=; no amino-acid change (glycine 3346 retained).
Molecular consequence: synonymous variant. On other transcripts: non-coding transcript variant (1).
Genome position (GRCh38, 1-based): chr5:90,725,217, A>G. VCF-style: chr5-90725217-A-G. GRCh37 (hg19) VCF-style: chr5-90021034-A-G.
Identifiers: ClinVar variation 4984371 (VCV004984371.1).